The following is an entry in ClinVar:

ClinVar aggregate classification (germline): Likely pathogenic (1 of 4 stars; one submission).

Conditions:
Ichthyosis prematurity syndrome (IPS). Also called: ICHTHYOSIS CONGENITA IV. Identifiers: Orphanet 88621, MedGen C1837610, MONDO:0012089, OMIM 608649.

Submission:

Juno Genomics, Hangzhou Juno Genomics, Inc
Classification: Likely pathogenic for Ichthyosis prematurity syndrome. Review status: criteria provided, single submitter. Criteria: ACMG Guidelines, 2015. Collection method: clinical testing. Allele origin: germline.
Comment: Null variant in a gene where loss of function (LOF) is a known mechanism of disease.;Absent from controls (or at extremely low frequency if recessive) in Genome Aggregation Database.

NM_005094.4(SLC27A4):c.969_970delinsAT (p.Cys323_Ile324delinsTer)

Gene: SLC27A4 (solute carrier family 27 member 4; plus strand). Cytogenetic location: 9q34.11.
Variant type: Indel.
Coding change: c.969_970delinsAT on transcript NM_005094.4 (MANE Select); coding-DNA positions 969 to 970, TA replaced by AT.
Protein change: p.Cys323_Ile324delinsTer.
Molecular consequence: nonsense.
Genome position (GRCh38, 1-based): chr9:128,352,729-128,352,730, TA replaced by AT. VCF-style: chr9-128352729-TA-AT. GRCh37 (hg19) VCF-style: chr9-131115008-TA-AT.
Identifiers: ClinVar variation 5007392 (VCV005007392.2).
Genomic context (GRCh38, chr9:128,352,729, plus strand): 5'-GCATGGCATGACGGTGGTGATTCGGAAGAAGTTCTCAGCCTCCCGGTTCTGGGACGATTG[TA>AT]TCAAGTACAACTGCACGGTGAGCGAGAGCGGGAAGGGTGAGCTGTCCCTTTCCCCTAGTT-3'